The following is an entry in ClinVar:

ClinVar aggregate classification (germline): Uncertain significance (1 of 4 stars; one submission).

Submission:

GeneDx
Classification: Uncertain significance. Last evaluated: 2025-09-11. Review status: criteria provided, single submitter. Criteria: GeneDx Variant Classification Process June 2021. Collection method: clinical testing. Allele origin: germline. Affected: yes.
Comment: Not observed at significant frequency in large population cohorts (gnomAD); In silico analysis supports that this missense variant has a deleterious effect on protein structure/function; Has not been previously published as pathogenic or benign to our knowledge; This variant is associated with the following publications: (PMID: 30343943)

NM_001205293.3(CACNA1E):c.4247A>G (p.Asn1416Ser)

Gene: CACNA1E (calcium voltage-gated channel subunit alpha1 E; plus strand). Cytogenetic location: 1q25.3.
Variant type: single nucleotide variant.
Coding change: c.4247A>G on transcript NM_001205293.3 (MANE Select); coding-DNA position 4247, A replaced by G.
Protein change: p.Asn1416Ser; replaces asparagine 1416 with serine.
Molecular consequence: missense variant.
Genome position (GRCh38, 1-based): chr1:181,757,044, A>G. VCF-style: chr1-181757044-A-G. GRCh37 (hg19) VCF-style: chr1-181726180-A-G.
Other names: c.4247A>G, p.Asn1416Ser (NM_000721.4); c.4190A>G, p.Asn1397Ser (NM_001205294.2); short protein forms N1416S, N1397S.
Identifiers: ClinVar variation 426345 (VCV000426345.3), dbSNP rs1085307578, ClinGen allele CA343624414.